The following is an entry in ClinVar:

NM_182972.3(IRF2BP2):c.483C>T (p.Gly161=)

Genes: IRF2BP2 (interferon regulatory factor 2 binding protein 2; minus strand), LOC129932812 (ATAC-STARR-seq lymphoblastoid silent region 1977; plus strand). Cytogenetic location: 1q42.3.
Variant type: single nucleotide variant.
Coding change: c.483C>T on transcript NM_182972.3 (MANE Select); coding-DNA position 483, C replaced by T.
Protein change: p.Gly161=; no amino-acid change (glycine 161 retained).
Molecular consequence: synonymous variant.
Genome position (GRCh38, 1-based): chr1:234,609,012, G>A on the plus strand (C>T on the coding strand, the complement: IRF2BP2 is on the minus strand). VCF-style: chr1-234609012-G-A. GRCh37 (hg19) VCF-style: chr1-234744758-G-A.
Other names: c.483C>T (NM_182972.2); c.483C>T, p.Gly161= (NM_001077397.1).
Identifiers: ClinVar variation 1166374 (VCV001166374.12), dbSNP rs143099188, ClinGen allele CA1461841.

ClinVar aggregate classification (germline): Benign/Likely benign. Review status: criteria provided, multiple submitters, no conflicts (2 of 4 stars). 5 submissions from 5 submitters: Benign (3); Likely benign (1). 1 of the submissions does not count toward it. Last evaluated 2026-02-01.

Conditions:
IRF2BP2-related disorder. Also called: IRF2BP2-related condition.

Allele frequency attached by ClinVar (database versions not stated): gnomAD exomes 0.00009 and 0.00089; gnomAD 0.00029 and 0.00030; TOPMed 0.00056; 1000 Genomes Project 0.00060; 1000 Genomes Project 30x 0.00078; ExAC 0.00125.

Submissions (5):

Labcorp Genetics (formerly Invitae), Labcorp
Classification: Benign. Last evaluated: 2026-02-01. Review status: criteria provided, single submitter. Criteria: Invitae Variant Classification Sherloc (09022015). Collection method: clinical testing. Allele origin: germline.

Women's Health and Genetics/Laboratory Corporation of America, LabCorp
Classification: Benign. Last evaluated: 2026-01-23. Review status: criteria provided, single submitter. Criteria: LabCorp Variant Classification Summary - May 2015. Collection method: clinical testing. Allele origin: germline.

Blueprint Genetics
Classification: Likely benign. Last evaluated: 2023-01-11. Review status: criteria provided, single submitter. Criteria: ACMG Guidelines, 2015. Collection method: clinical testing. Allele origin: germline.

Breakthrough Genomics
Classification: Benign. Review status: criteria provided, single submitter. Criteria: ACMG Guidelines, 2015. Collection method: not provided. Allele origin: germline. Inheritance: Autosomal dominant inheritance. Affected: yes.

PreventionGenetics, part of Exact Sciences
Classification: Benign for IRF2BP2-related condition. Last evaluated: 2019-09-05. Review status: no assertion criteria provided. Collection method: clinical testing. Allele origin: germline. Not counted in ClinVar's aggregate classification.
Comment: This variant is classified as benign based on ACMG/AMP sequence variant interpretation guidelines (Richards et al. 2015 PMID: 25741868, with internal and published modifications).